The following is an entry in ClinVar:

ClinVar aggregate classification (germline): Likely benign. Review status: criteria provided, multiple submitters, no conflicts (2 of 4 stars). 2 submissions from 2 submitters: Likely benign (2). Last evaluated 2024-06-01.

Conditions:
Hyperkalemic periodic paralysis. Also called: Familial hyperkalemic periodic paralysis; Gamstorp disease. Identifiers: Orphanet 682, MedGen C0238357, MONDO:0008224, OMIM 170500, HP:0007215.

Allele frequency attached by ClinVar (database versions not stated): ExAC 0.00001; gnomAD 0.00001; ESP Exome Variant Server 0.00008.
gnomAD v4.1: 8 of 1,613,958 alleles (0.0005%); highest among the groups gnomAD compares: Middle Eastern, 0.033%; no homozygotes.

Submissions (2):

CeGaT Center for Human Genetics Tuebingen
Classification: Likely benign. Last evaluated: 2024-06-01. Review status: criteria provided, single submitter. Criteria: CeGaT Center For Human Genetics Tuebingen Variant Classification Criteria Version 2. Collection method: clinical testing. Allele origin: germline. Affected: yes. Observed: 4 variant alleles.
Comment: SCN4A: BP4, BP7

Labcorp Genetics (formerly Invitae), Labcorp
Classification: Likely benign for Hyperkalemic periodic paralysis. Last evaluated: 2022-03-17. Review status: criteria provided, single submitter. Criteria: Invitae Variant Classification Sherloc (09022015). Collection method: clinical testing. Allele origin: germline.

NM_000334.4(SCN4A):c.4089C>T (p.Ile1363=)

Genes: GH-LCR (growth hormone locus control region; plus strand), SCN4A (sodium voltage-gated channel alpha subunit 4; minus strand). Cytogenetic location: 17q23.3.
Variant type: single nucleotide variant.
Coding change: c.4089C>T on transcript NM_000334.4 (MANE Select); coding-DNA position 4089, C replaced by T.
Protein change: p.Ile1363=; no amino-acid change (isoleucine 1363 retained).
Molecular consequence: synonymous variant.
Genome position (GRCh38, 1-based): chr17:63,943,025, G>A on the plus strand (C>T on the coding strand, the complement: SCN4A is on the minus strand). VCF-style: chr17-63943025-G-A. GRCh37 (hg19) VCF-style: chr17-62020385-G-A.
Identifiers: ClinVar variation 2164365 (VCV002164365.27), dbSNP rs371074417, ClinGen allele CA8709053.